The following is an entry in ClinVar:

NM_005236.3(ERCC4):c.472C>T (p.Arg158Cys)

Gene: ERCC4 (ERCC excision repair 4, endonuclease catalytic subunit; plus strand). Cytogenetic location: 16p13.12.
Variant type: single nucleotide variant.
Coding change: c.472C>T on transcript NM_005236.3 (MANE Select); coding-DNA position 472, C replaced by T.
Protein change: p.Arg158Cys; replaces arginine 158 with cysteine.
Molecular consequence: missense variant.
Genome position (GRCh38, 1-based): chr16:13,926,644, C>T. VCF-style: chr16-13926644-C-T. GRCh37 (hg19) VCF-style: chr16-14020501-C-T.
Other names: short protein forms R158C.
Identifiers: ClinVar variation 1077178 (VCV001077178.5), dbSNP rs746296279, ClinGen allele CA7910209.
Genomic context (GRCh38, chr16:13,926,644, plus strand): 5'-AGAATAATCGAGTCTTGTCAAGAAGCATTCATCTTGCGCCTCTTTCGCCAGAAAAACAAA[C>T]GTGGTTTTATTAAAGCTTTCACAGACAATGCTGTTGCCTTTGATACTGGTTTTTGTCATG-3'
Protein context (NP_005227.1, residues 148-168): ILRLFRQKNK[Arg158Cys]GFIKAFTDNA

ClinVar aggregate classification (germline): Uncertain significance. Review status: criteria provided, multiple submitters, no conflicts (2 of 4 stars). 4 submissions from 3 submitters: Uncertain significance (4). Last evaluated 2024-11-04.

Conditions:
Xeroderma pigmentosum, group F (XPF). Also called: XERODERMA PIGMENTOSUM VI; XP, GROUP F; XERODERMA PIGMENTOSUM, COMPLEMENTATION GROUP F; ERCC4-Related Xeroderma Pigmentosum; XERODERMA PIGMENTOSUM, TYPE F; Xeroderma pigmentosum, type 6. Identifiers: MedGen C0268140, MONDO:0010215, OMIM 278760.
Fanconi anemia complementation group Q. Identifiers: Orphanet 84, MedGen C3808988, MONDO:0014108, OMIM 615272.
Cockayne syndrome. Identifiers: Orphanet 191, MedGen C0009207, MONDO:0016006.
XFE progeroid syndrome (XFEPS). Also called: XPF-ERCC1 PROGEROID SYNDROME. Identifiers: MedGen C1970416, MONDO:0012590, OMIM 610965.

Allele frequency attached by ClinVar (database versions not stated): ExAC 0.00001; gnomAD exomes 0.00001; gnomAD 0.00002; TOPMed 0.00002.
gnomAD v4.1: 16 of 1,613,902 alleles (0.00099%); highest among the groups gnomAD compares: Middle Eastern, 0.016%; no homozygotes.

Submissions (4):

Labcorp Genetics (formerly Invitae), Labcorp
Classification: Uncertain significance for Fanconi anemia complementation group Q; Xeroderma pigmentosum, group F; Cockayne syndrome. Last evaluated: 2024-11-04. Review status: criteria provided, single submitter. Criteria: Invitae Variant Classification Sherloc (09022015). Collection method: clinical testing. Allele origin: germline.
Comment: This sequence change replaces arginine, which is basic and polar, with cysteine, which is neutral and slightly polar, at codon 158 of the ERCC4 protein (p.Arg158Cys). This variant is present in population databases (rs746296279, gnomAD 0.002%). This variant has not been reported in the literature in individuals affected with ERCC4-related conditions. ClinVar contains an entry for this variant (Variation ID: 1077178). Invitae Evidence Modeling of protein sequence and biophysical properties (such as structural, functional, and spatial information, amino acid conservation, physicochemical variation, residue mobility, and thermodynamic stability) indicates that this missense variant is not expected to disrupt ERCC4 protein function with a negative predictive value of 80%. In summary, the available evidence is currently insufficient to determine the role of this variant in disease. Therefore, it has been classified as a Variant of Uncertain Significance.

St. Jude Molecular Pathology, St. Jude Children's Research Hospital
Classification: Uncertain significance for Xeroderma pigmentosum, group F. Last evaluated: 2024-08-14. Review status: criteria provided, single submitter. Criteria: St. Jude Assertion Criteria 2020. Collection method: clinical testing. Allele origin: germline.
Comment: The ERCC4 c.472C>T (p.Arg158Cys) missense change has a maximum subpopulation frequency of 0.002% in gnomAD v2.1.1. The in silico tool REVEL predicts a benign effect on protein function, but this prediction has not been confirmed by functional studies. This variant has not been reported in individuals with Fanconi anemia or xeroderma pigmentosum. In summary, the evidence currently available is insufficient to determine the clinical significance of this variant. It has therefore been classified as of uncertain significance.

Institute for Genomic Statistics and Bioinformatics, University Hospital Bonn
Classification: Uncertain significance for Xeroderma pigmentosum, group F. Last evaluated: 2022-03-09. Review status: criteria provided, single submitter. Criteria: ACMG Guidelines, 2015. Collection method: clinical testing. Allele origin: germline. Inheritance: Autosomal recessive inheritance. Affected: yes. Observed: 1 heterozygote.

Institute for Genomic Statistics and Bioinformatics, University Hospital Bonn
Classification: Uncertain significance for Fanconi anemia complementation group Q; XFE progeroid syndrome. Review status: criteria provided, single submitter. Criteria: ACMG Guidelines, 2015. Collection method: clinical testing. Allele origin: paternal. Inheritance: Autosomal recessive inheritance. Affected: yes. Observed: 1 variant allele, 1 compound heterozygote.
Comment: The variant results in the exchange of the amino acid argenine conserved across multiple species to cysteine at position 158 in ERCC4. Bioinformatic prediction programs such as Sift, MutationTaster, and UMD Predicor classify the variant c.472C>T as pathogenic with a CADD score of 25.5. PolyPhen, Provean, EIGN, Meta-SVM, Revel, and MutationAssessor classify this variant as tolerant. The variant is located in a region of high tolerance to sense-changing variation in MetaDome. However, a variant in the immediate vicinity (p.Arg153Pro, ClinVar Variation ID: 16581) has been described as pathogenic for XFE progeroid syndrome. In a model (UniProt ID: 6SXB) of the tertiary complex structure of ERCC4 (XPF) with ERCC1 and DNA, the arginine158 is part of a loop on the surface of ERCC4 in the conserved helicase-like domain (disrupted helicase domain). The amino acid substitution p.Arg158Cys is located 21 codons downstream of the conserved helicase motif YRAH and four codons downstream of the pathogenic variant p.Arg153Pro (Figure 4). According to ACMG guidelines, c.472C>T is classified as a variant of unclear clinical significance (VUKS). Classification according to ACMG guidelines of c.472C>T:p.(Arg158Cys) in ERCC4: VUKS. - PM1: The variant is located in a mutational hotspot and/or a critical and well-established functional domain. - PM2: The variant was rarely identified (3 heterozygous carriers in 141429 individuals; allele fre-quency 1.06*10-5) in population genetic studies (GnomAD) and never observed in homozygous status. - BP4: Bioinformatic prediction programs classify this variant predominantly as tolerant

Literature cited by the submitters: PubMed 17183314 (cited by Institute for Genomic Statistics and Bioinformatics, University Hospital Bonn); PubMed 26074087 (cited by Institute for Genomic Statistics and Bioinformatics, University Hospital Bonn).